The following is an entry in ClinVar:

ClinVar aggregate classification (germline): Uncertain significance. Review status: criteria provided, multiple submitters, no conflicts (2 of 4 stars). 2 submissions from 2 submitters: Uncertain significance (2). Last evaluated 2026-05-21.

Conditions:
Aicardi-Goutieres syndrome 4. Identifiers: Orphanet 51, MedGen C1835912, MONDO:0012472, OMIM 610333.

gnomAD v4.1: 18 of 1,613,966 alleles (0.0011%); highest among the groups gnomAD compares: Middle Eastern, 0.016%; no homozygotes.

Submissions (2):

Women's Health and Genetics/Laboratory Corporation of America, LabCorp
Classification: Uncertain significance. Last evaluated: 2026-05-21. Review status: criteria provided, single submitter. Criteria: LabCorp Variant Classification Summary - May 2015. Collection method: clinical testing. Allele origin: germline.
Comment: Variant summary: RNASEH2A c.845G>A (p.Arg282His) results in a non-conservative amino acid change in the encoded protein sequence. Algorithms developed to predict the effect of missense changes on protein structure and function are either unavailable or do not agree on the potential impact of this missense change. The variant allele was found at a frequency of 1.6e-05 in 251414 control chromosomes. The available data on variant occurrences in the general population are insufficient to allow any conclusion about variant significance. To our knowledge, no occurrence of c.845G>A in individuals affected with RNASEH2A-related conditions and no experimental evidence demonstrating its impact on protein function have been reported. ClinVar contains an entry for this variant (Variation ID: 3666946). Based on the evidence outlined above, the variant was classified as uncertain significance.

Labcorp Genetics (formerly Invitae), Labcorp
Classification: Uncertain significance for Aicardi-Goutieres syndrome 4. Last evaluated: 2024-05-28. Review status: criteria provided, single submitter. Criteria: Invitae Variant Classification Sherloc (09022015). Collection method: clinical testing. Allele origin: germline.
Comment: This sequence change replaces arginine, which is basic and polar, with histidine, which is basic and polar, at codon 282 of the RNASEH2A protein (p.Arg282His). This variant is present in population databases (rs150985454, gnomAD 0.004%). This variant has not been reported in the literature in individuals affected with RNASEH2A-related conditions. Algorithms developed to predict the effect of missense changes on protein structure and function output the following: SIFT: "Not Available"; PolyPhen-2: "Benign"; Align-GVGD: "Not Available". The histidine amino acid residue is found in multiple mammalian species, which suggests that this missense change does not adversely affect protein function. In summary, the available evidence is currently insufficient to determine the role of this variant in disease. Therefore, it has been classified as a Variant of Uncertain Significance.

NM_006397.3(RNASEH2A):c.845G>A (p.Arg282His)

Gene: RNASEH2A (ribonuclease H2 subunit A; plus strand). Cytogenetic location: 19p13.13.
Variant type: single nucleotide variant.
Coding change: c.845G>A on transcript NM_006397.3 (MANE Select); coding-DNA position 845, G replaced by A.
Protein change: p.Arg282His; replaces arginine 282 with histidine.
Molecular consequence: missense variant.
Genome position (GRCh38, 1-based): chr19:12,813,411, G>A. VCF-style: chr19-12813411-G-A. GRCh37 (hg19) VCF-style: chr19-12924225-G-A.
Other names: short protein forms R282H.
Identifiers: ClinVar variation 3666946 (VCV003666946.2).
Genomic context (GRCh38, chr19:12,813,411, plus strand): 5'-AGGAGGGACTCAGGAAGATCACATCCTACTTCCTCAATGAAGGGTCCCAAGCCCGTCCCC[G>A]TTCTTCCCACCGATATTTCCTGGAACGCGGCCTGGAGTCAGCAACCAGCCTCTAGCAGCT-3'
Protein context (NP_006388.2, residues 272-292): FLNEGSQARP[Arg282His]SSHRYFLERG